The following is an entry in ClinVar:

ClinVar aggregate classification (germline): Pathogenic (1 of 4 stars; one submission).

Conditions:
Hereditary spastic paraplegia 15 (SPG15). Also called: SPASTIC PARAPLEGIA 15, AUTOSOMAL RECESSIVE; KJELLIN SYNDROME; SPASTIC PARAPLEGIA AND RETINAL DEGENERATION. Identifiers: Orphanet 100996, MedGen C1849128, MONDO:0010044, OMIM 270700.

Submission:

Myriad Genetics, Inc.
Classification: Pathogenic for Hereditary spastic paraplegia 15. Last evaluated: 2026-02-12. Review status: criteria provided, single submitter. Criteria: Myriad Autosomal Dominant, Autosomal Recessive and X-Linked Classification Criteria (2023). Collection method: clinical testing. Allele origin: unknown.
Comment: NM_015346.3(ZFYVE26):c.3997_3998delAG(S1333Lfs*24) is expected to be pathogenic in the context of spastic paraplegia type 15. This variant is predicted to lead to an abnormal or absent protein product due to the creation of a premature termination codon in ZFYVE26, a gene where loss-of-function variants are known to be pathogenic. Please note: this variant was assessed in the context of healthy population screening.

NM_015346.4(ZFYVE26):c.3997_3998del (p.Ser1333fs)

Gene: ZFYVE26 (zinc finger FYVE-type containing 26; minus strand). Cytogenetic location: 14q24.1.
Variant type: Deletion.
Coding change: c.3997_3998del on transcript NM_015346.4 (MANE Select); coding-DNA positions 3997 to 3998, 2 bases deleted (AG; older notation c.3997_3998delAG).
Protein change: p.Ser1333fs; shifts the reading frame from serine 1333.
Molecular consequence: frameshift variant.
Genome position (GRCh38, 1-based): chr14:67,783,154-67,783,155, CT deleted on the plus strand (AG on the coding strand, the reverse complement: ZFYVE26 is on the minus strand). VCF-style (leftmost placement, unchanged base first): chr14-67783153-GCT-G. GRCh37 (hg19) VCF-style: chr14-68249870-GCT-G.
Other names: short protein forms S1333fs.
Identifiers: ClinVar variation 5015543 (VCV005015543.1).